The following is an entry in ClinVar:

NM_001318895.3(FHL2):c.2T>C (p.Met1Thr)

Gene: FHL2 (four and a half LIM domains 2; minus strand). Cytogenetic location: 2q12.2.
Variant type: single nucleotide variant.
Coding change: c.2T>C on transcript NM_001318895.3 (MANE Select); coding-DNA position 2, T replaced by C.
Protein change: p.Met1Thr; changes the start codon (methionine 1).
Molecular consequence: missense variant, initiator codon variant. On other transcripts: 5 prime UTR variant (3).
Genome position (GRCh38, 1-based): chr2:105,386,515, A>G on the plus strand (T>C on the coding strand, the complement: FHL2 is on the minus strand). VCF-style: chr2-105386515-A-G. GRCh37 (hg19) VCF-style: chr2-106002972-A-G.
Other names: c.2T>C, p.Met1Thr (NM_001039492.3, NM_001318894.1, NM_001318896.2 and 4 more transcripts); c.-166T>C (NM_001318897.2, NM_001318898.2); c.-445T>C (NM_001318899.2); short protein forms M1T.
Identifiers: ClinVar variation 2787479 (VCV002787479.3), dbSNP rs2467281622, ClinGen allele CA348100833.
Genomic context (GRCh38, chr2:105,386,515, plus strand): 5'-AGGATGTACTTCTTGCCAAAGAGAGATTCGTTGCAATGGTGGCAGTCAAAGCGCTCAGTC[A>G]TTTTGACTCCTGGCTTTTCAGCAACCTATCAAAAAGAAAAGAAAATCCAAGTCCCATTAA-3'
Protein context (NP_001305824.1, residues 1-11): [Met1Thr]TERFDCHHCN

ClinVar aggregate classification (germline): Uncertain significance (1 of 4 stars; one submission).

Conditions:
Primary dilated cardiomyopathy (DCM). Also called: Dilated Cardiomyopathy. Identifiers: Orphanet 217604, MedGen C0007193, MeSH D002311, MONDO:0005021, HP:0001644. Inheritance: Various modes of inheritance.

Submission:

Labcorp Genetics (formerly Invitae), Labcorp
Classification: Uncertain significance for Primary dilated cardiomyopathy. Last evaluated: 2023-02-22. Review status: criteria provided, single submitter. Criteria: Invitae Variant Classification Sherloc (09022015). Collection method: clinical testing. Allele origin: germline.
Comment: In summary, the available evidence is currently insufficient to determine the role of this variant in disease. Therefore, it has been classified as a Variant of Uncertain Significance. Experimental studies and prediction algorithms are not available or were not evaluated, and the functional significance of this variant is currently unknown. This variant has not been reported in the literature in individuals affected with FHL2-related conditions. This variant is not present in population databases (gnomAD no frequency). This sequence change affects the initiator methionine of the FHL2 mRNA. The next in-frame methionine is located at codon 109.